The following is an entry in ClinVar:

ClinVar aggregate classification (germline): Uncertain significance (1 of 4 stars; one submission).

Conditions:
Duchenne muscular dystrophy (DMD). Also called: MUSCULAR DYSTROPHY, PSEUDOHYPERTROPHIC PROGRESSIVE, DUCHENNE TYPE; Duchenne Muscular Dystrophy (DMD). Identifiers: Orphanet 98896, MedGen C0013264, MONDO:0010679, OMIM 310200.

Submission:

Labcorp Genetics (formerly Invitae), Labcorp
Classification: Uncertain significance for Duchenne muscular dystrophy. Last evaluated: 2021-10-21. Review status: criteria provided, single submitter. Criteria: Invitae Variant Classification Sherloc (09022015). Collection method: clinical testing. Allele origin: germline.
Comment: This sequence change replaces serine with glycine at codon 1953 of the DMD protein (p.Ser1953Gly). The serine residue is highly conserved and there is a small physicochemical difference between serine and glycine. This variant is not present in population databases (ExAC no frequency). This variant has not been reported in the literature in individuals affected with DMD-related conditions. Algorithms developed to predict the effect of missense changes on protein structure and function are either unavailable or do not agree on the potential impact of this missense change (SIFT: "Deleterious"; PolyPhen-2: "Benign"; Align-GVGD: "Class C0"). In summary, the available evidence is currently insufficient to determine the role of this variant in disease. Therefore, it has been classified as a Variant of Uncertain Significance.

NM_004006.3(DMD):c.5857A>G (p.Ser1953Gly)

Gene: DMD (dystrophin; minus strand). Cytogenetic location: Xp21.1.
Variant type: single nucleotide variant.
Coding change: c.5857A>G on transcript NM_004006.3 (MANE Select); coding-DNA position 5857, A replaced by G.
Protein change: p.Ser1953Gly; replaces serine 1953 with glycine.
Molecular consequence: missense variant.
Genome position (GRCh38, 1-based): chrX:32,342,165, T>C on the plus strand (A>G on the coding strand, the complement: DMD is on the minus strand). VCF-style: chrX-32342165-T-C. GRCh37 (hg19) VCF-style: chrX-32360282-T-C.
Other names: c.5833A>G, p.Ser1945Gly (NM_000109.4); c.5845A>G, p.Ser1949Gly (NM_004009.3); c.5488A>G, p.Ser1830Gly (NM_004010.3); c.1834A>G, p.Ser612Gly (NM_004011.4); c.1825A>G, p.Ser609Gly (NM_004012.4); short protein forms S609G, S1945G, S612G, S1830G, S1949G, S1953G.
Identifiers: ClinVar variation 1388374 (VCV001388374.6), dbSNP rs2148812933, ClinGen allele CA412664921.